The following is an entry in ClinVar:

NM_018191.4(RCBTB1):c.1538G>C (p.Gly513Ala)

Gene: RCBTB1 (RCC1 and BTB domain containing protein 1; minus strand). Cytogenetic location: 13q14.2.
Variant type: single nucleotide variant.
Coding change: c.1538G>C on transcript NM_018191.4 (MANE Select); coding-DNA position 1538, G replaced by C.
Protein change: p.Gly513Ala; replaces glycine 513 with alanine.
Molecular consequence: missense variant. On other transcripts: non-coding transcript variant (2).
Genome position (GRCh38, 1-based): chr13:49,534,180, C>G on the plus strand (G>C on the coding strand, the complement: RCBTB1 is on the minus strand). VCF-style: chr13-49534180-C-G. GRCh37 (hg19) VCF-style: chr13-50108316-C-G.
Other names: c.1538G>C, p.Gly513Ala (NM_001352500.2, NM_001352501.2, NM_001352502.2 and 1 more transcripts); c.959G>C, p.Gly320Ala (NM_001352506.2); short protein forms G513A, G320A.
Identifiers: ClinVar variation 1417737 (VCV001417737.8), dbSNP rs202073736, ClinGen allele CA388185051.

ClinVar aggregate classification (germline): Uncertain significance (1 of 4 stars; one submission).

gnomAD v4.1: 5 of 1,614,136 alleles (0.00031%); highest among the groups gnomAD compares: Non-Finnish European, 0.00042%; no homozygotes.

Submission:

Labcorp Genetics (formerly Invitae), Labcorp
Classification: Uncertain significance. Last evaluated: 2023-03-09. Review status: criteria provided, single submitter. Criteria: Invitae Variant Classification Sherloc (09022015). Collection method: clinical testing. Allele origin: germline.
Comment: This variant is present in population databases (no rsID available, gnomAD 0.0009%). This sequence change replaces glycine, which is neutral and non-polar, with alanine, which is neutral and non-polar, at codon 513 of the RCBTB1 protein (p.Gly513Ala). This variant has not been reported in the literature in individuals affected with RCBTB1-related conditions. ClinVar contains an entry for this variant (Variation ID: 1417737). An algorithm developed to predict the effect of missense changes on protein structure and function (PolyPhen-2) suggests that this variant is likely to be tolerated. In summary, the available evidence is currently insufficient to determine the role of this variant in disease. Therefore, it has been classified as a Variant of Uncertain Significance.